The following is an entry in ClinVar:

NM_024915.4(GRHL2):c.1848G>A (p.Glu616=)

Gene: GRHL2 (grainyhead like transcription factor 2; plus strand). Cytogenetic location: 8q22.3.
Variant type: single nucleotide variant.
Coding change: c.1848G>A on transcript NM_024915.4 (MANE Select); coding-DNA position 1848, G replaced by A.
Protein change: p.Glu616=; no amino-acid change (glutamic acid 616 retained).
Molecular consequence: synonymous variant.
Genome position (GRCh38, 1-based): chr8:101,666,673, G>A. VCF-style: chr8-101666673-G-A. GRCh37 (hg19) VCF-style: chr8-102678901-G-A.
Other names: c.1800G>A, p.Glu600= (NM_001330593.2); c.1848G>A (NM_024915.3).
Identifiers: ClinVar variation 2177264 (VCV002177264.6), dbSNP rs553572598, ClinGen allele CA4830744.
Genomic context (GRCh38, chr8:101,666,673, plus strand): 5'-CATCATCGAGCACTACTCGAACGAGGACACCTTCATCCTCAACATGGAGAGCATGGTGGA[G>A]GGCTTCAAGGTCACGCTCATGGAAATCTAGCCCTGGGTTTGGCATCCGCTTTGGCTGGAG-3'
Protein context (NP_079191.2, residues 606-625): TFILNMESMV[Glu616=]GFKVTLMEI

ClinVar aggregate classification (germline): Benign/Likely benign. Review status: criteria provided, multiple submitters, no conflicts (2 of 4 stars). 3 submissions from 3 submitters: Benign (1); Likely benign (2). Last evaluated 2026-02-27.

Conditions:
GRHL2-related disorder. Also called: GRHL2-related condition; GRHL2-related disorders.

Allele frequency attached by ClinVar (database versions not stated): TOPMed 0.00004; gnomAD 0.00015; gnomAD exomes 0.00027; ExAC 0.00064; 1000 Genomes Project 30x 0.00078; 1000 Genomes Project 0.00080.
gnomAD v4.1: 427 of 1,613,074 alleles (0.026%); highest among the groups gnomAD compares: South Asian, 0.44%; 7 homozygotes.

Submissions (3):

PreventionGenetics, part of Exact Sciences
Classification: Likely benign for GRHL2-related condition. Last evaluated: 2026-02-27. Review status: criteria provided, single submitter. Criteria: ACMG Guidelines, 2015. Collection method: clinical testing. Allele origin: germline.
Comment: This variant is classified as likely benign based on ACMG/AMP sequence variant interpretation guidelines (Richards et al. 2015 PMID: 25741868, with internal and published modifications).

Labcorp Genetics (formerly Invitae), Labcorp
Classification: Benign. Last evaluated: 2025-09-16. Review status: criteria provided, single submitter. Criteria: Invitae Variant Classification Sherloc (09022015). Collection method: clinical testing. Allele origin: germline.

Blueprint Genetics
Classification: Likely benign. Last evaluated: 2024-05-23. Review status: criteria provided, single submitter. Criteria: ACMG Guidelines, 2015. Collection method: clinical testing. Allele origin: germline.